The following is an entry in ClinVar:

ClinVar aggregate classification (germline): Benign. Review status: criteria provided, multiple submitters, no conflicts (2 of 4 stars). 6 submissions from 6 submitters: Benign (4). 2 of the submissions do not count toward it. Last evaluated 2024-11-27.

Conditions:
Factor XIII, A subunit, deficiency of. Also called: Factor XIII subunit A deficiency. Identifiers: Orphanet 331, MedGen C2750514, MONDO:0013187, OMIM 613225, HP:0040233.

Allele frequency attached by ClinVar (database versions not stated): 1000 Genomes Project 30x 0.87992; 1000 Genomes Project 0.88199; gnomAD 0.88252; TOPMed 0.88733.
gnomAD v4.1: 406,101 of 466,414 alleles (87%); highest among the groups gnomAD compares: East Asian, 96%; 177,234 homozygotes.

Submissions (6):

Blueprint Genetics
Classification: Benign. Last evaluated: 2024-11-27. Review status: criteria provided, single submitter. Criteria: ACMG Guidelines, 2015. Collection method: clinical testing. Allele origin: germline.

Genome-Nilou Lab
Classification: Benign for Factor XIII, A subunit, deficiency of. Last evaluated: 2021-08-10. Review status: criteria provided, single submitter. Criteria: ACMG Guidelines, 2015. Collection method: clinical testing. Allele origin: germline. Affected: no.

GeneDx
Classification: Benign. Last evaluated: 2021-06-18. Review status: criteria provided, single submitter. Criteria: GeneDx Variant Classification Process June 2021. Collection method: clinical testing. Allele origin: germline. Affected: yes.
Comment: This variant is associated with the following publications: (PMID: 21512576, 23508224)

Illumina Laboratory Services, Illumina
Classification: Benign for Factor XIII, A subunit, deficiency of. Last evaluated: 2018-01-12. Review status: criteria provided, single submitter. Criteria: ICSL Variant Classification Criteria 13 December 2019. Collection method: clinical testing. Allele origin: germline.
Comment: This variant was observed in the ICSL laboratory as part of a predisposition screen in an ostensibly healthy population. It had not been previously curated by ICSL or reported in the Human Gene Mutation Database (HGMD: prior to June 1st, 2018), and was therefore a candidate for classification through an automated scoring system. Utilizing variant allele frequency, disease prevalence and penetrance estimates, and inheritance mode, an automated score was calculated to assess if this variant is too frequent to cause the disease. Based on the score and internal cut-off values, a variant classified as benign is not then subjected to further curation. The score for this variant resulted in a classification of benign for this disease.

Diagnostic Laboratory, Department of Genetics, University Medical Center Groningen
Classification: Benign. Review status: no assertion criteria provided. Collection method: clinical testing. Allele origin: germline. Affected: yes. Study: VKGL Data-share Consensus. Not counted in ClinVar's aggregate classification.

Joint Genome Diagnostic Labs from Nijmegen and Maastricht, Radboudumc and MUMC+
Classification: Benign. Review status: no assertion criteria provided. Collection method: clinical testing. Allele origin: germline. Affected: yes. Study: VKGL Data-share Consensus. Not counted in ClinVar's aggregate classification.

NM_000129.4(F13A1):c.-19+12A>C

Gene: F13A1 (coagulation factor XIII A chain; minus strand). Cytogenetic location: 6p25.1.
Variant type: single nucleotide variant.
Coding change: c.-19+12A>C on transcript NM_000129.4 (MANE Select); 12 bases into the intron after 19 bases upstream of the start codon, A replaced by C.
Molecular consequence: intron variant.
Genome position (GRCh38, 1-based): chr6:6,320,575, T>G on the plus strand (A>C on the coding strand, the complement: F13A1 is on the minus strand). VCF-style: chr6-6320575-T-G. GRCh37 (hg19) VCF-style: chr6-6320808-T-G.
Identifiers: ClinVar variation 357680 (VCV000357680.15), dbSNP rs2815822, ClinGen allele CA3624844.
Genomic context (GRCh38, chr6:6,320,575, plus strand): 5'-AACCAGGAAACCGAGGTGCAGAAGGTGGACGCAGCGGGCCCTGGCTCATAGGGTGCAGGG[T>G]CGGTGGCTTACCTGCAGGCGCTCCCCTCCAGAGGTGCCCTCGCGTGGGCTTGCTCTGTGC-3'